The following is an entry in ClinVar:

ClinVar aggregate classification (germline): Uncertain significance. Review status: criteria provided, multiple submitters, no conflicts (2 of 4 stars). 3 submissions from 3 submitters: Uncertain significance (3). Last evaluated 2025-10-03.

Allele frequency attached by ClinVar (database versions not stated): gnomAD exomes 0.00002 and 0.00006; TOPMed 0.00003; gnomAD 0.00002; ESP Exome Variant Server 0.00015; ExAC 0.00002.
gnomAD v4.1: 93 of 1,613,872 alleles (0.0058%); highest among the groups gnomAD compares: Non-Finnish European, 0.0074%; no homozygotes.

Submissions (3):

Labcorp Genetics (formerly Invitae), Labcorp
Classification: Uncertain significance. Last evaluated: 2025-10-03. Review status: criteria provided, single submitter. Criteria: Invitae Variant Classification Sherloc (09022015). Collection method: clinical testing. Allele origin: germline.
Comment: This sequence change replaces histidine, which is basic and polar, with aspartic acid, which is acidic and polar, at codon 524 of the IL17RD protein (p.His524Asp). This variant is present in population databases (rs145323402, gnomAD 0.009%). This variant has not been reported in the literature in individuals affected with IL17RD-related conditions. ClinVar contains an entry for this variant (Variation ID: 1304904). Invitae Evidence Modeling of protein sequence and biophysical properties (such as structural, functional, and spatial information, amino acid conservation, physicochemical variation, residue mobility, and thermodynamic stability) indicates that this missense variant is not expected to disrupt IL17RD protein function with a negative predictive value of 80%. In summary, the available evidence is currently insufficient to determine the role of this variant in disease. Therefore, it has been classified as a Variant of Uncertain Significance.

Ambry Genetics
Classification: Uncertain significance. Last evaluated: 2025-07-15. Review status: criteria provided, single submitter. Criteria: Ambry Variant Classification Scheme 2023. Collection method: clinical testing. Allele origin: germline.

GeneDx
Classification: Uncertain significance. Last evaluated: 2021-03-03. Review status: criteria provided, single submitter. Criteria: GeneDx Variant Classification Process June 2021. Collection method: clinical testing. Allele origin: germline. Affected: yes.
Comment: In silico analysis supports that this missense variant does not alter protein structure/function; Has not been previously published as pathogenic or benign to our knowledge

NM_017563.5(IL17RD):c.1570C>G (p.His524Asp)

Genes: IL17RD (interleukin 17 receptor D; minus strand), LOC126806689 (BRD4-independent group 4 enhancer GRCh37_chr3:57131244-57132443; plus strand). Cytogenetic location: 3p14.3.
Variant type: single nucleotide variant.
Coding change: c.1570C>G on transcript NM_017563.5 (MANE Select); coding-DNA position 1570, C replaced by G.
Protein change: p.His524Asp; replaces histidine 524 with aspartic acid.
Molecular consequence: missense variant.
Genome position (GRCh38, 1-based): chr3:57,098,133, G>C on the plus strand (C>G on the coding strand, the complement: IL17RD is on the minus strand). VCF-style: chr3-57098133-G-C. GRCh37 (hg19) VCF-style: chr3-57132161-G-C.
Other names: c.1138C>G, p.His380Asp (NM_001318864.2); short protein forms H380D, H524D.
Identifiers: ClinVar variation 1304904 (VCV001304904.6), dbSNP rs145323402, ClinGen allele CA2462704.